The following is an entry in ClinVar:

NM_152722.5(HEPACAM):c.367_368delinsAT (p.Glu123Met)

Gene: HEPACAM (hepatic and glial cell adhesion molecule; minus strand). Cytogenetic location: 11q24.2.
Variant type: Indel.
Coding change: c.367_368delinsAT on transcript NM_152722.5 (MANE Select); coding-DNA positions 367 to 368, GA replaced by AT.
Protein change: p.Glu123Met; replaces glutamic acid 123 with methionine.
Molecular consequence: missense variant.
Genome position (GRCh38, 1-based): chr11:124,924,787-124,924,788, TC replaced by AT on the plus strand (GA replaced by AT on the coding strand, the reverse complement: HEPACAM is on the minus strand). VCF-style: chr11-124924787-TC-AT. GRCh37 (hg19) VCF-style: chr11-124794683-TC-AT.
Other names: c.367_368delinsAT, p.Glu123Met (NM_001411043.1); short protein forms E123M.
Identifiers: ClinVar variation 3696523 (VCV003696523.2).

ClinVar aggregate classification (germline): Uncertain significance (1 of 4 stars; one submission).

Submission:

Labcorp Genetics (formerly Invitae), Labcorp
Classification: Uncertain significance. Last evaluated: 2023-06-30. Review status: criteria provided, single submitter. Criteria: Invitae Variant Classification Sherloc (09022015). Collection method: clinical testing. Allele origin: germline.
Comment: Advanced modeling of protein sequence and biophysical properties (such as structural, functional, and spatial information, amino acid conservation, physicochemical variation, residue mobility, and thermodynamic stability) has been performed at Invitae for this missense variant, however the output from this modeling did not meet the statistical confidence thresholds required to predict the impact of this variant on HEPACAM protein function. In summary, the available evidence is currently insufficient to determine the role of this variant in disease. Therefore, it has been classified as a Variant of Uncertain Significance. This variant has not been reported in the literature in individuals affected with HEPACAM-related conditions. This variant is present in population databases (rs755288062, gnomAD 0.002%). This sequence change replaces glutamic acid, which is acidic and polar, with methionine, which is neutral and non-polar, at codon 123 of the HEPACAM protein (p.Glu123Met).